The following is an entry in ClinVar:

NM_000719.7(CACNA1C):c.2997_3005dup (p.Arg1004_Pro1005insValLeuArg)

Gene: CACNA1C (calcium voltage-gated channel subunit alpha1 C; plus strand). Cytogenetic location: 12p13.33.
Variant type: Duplication.
Coding change: c.2997_3005dup on transcript NM_000719.7 (MANE Select); coding-DNA positions 2997 to 3005, 9 bases duplicated (CCTGCGAGT; older notation c.2997_3005dupCCTGCGAGT).
Protein change: p.Arg1004_Pro1005insValLeuArg.
Genome position (GRCh38, 1-based): chr12:2,605,117-2,605,125, CCTGCGAGT duplicated; duplicating any 9 consecutive bases within chr12:2,605,110-2,605,125 gives the same sequence; the c. name uses the placement nearest the transcript's 3' end. VCF-style (leftmost placement, unchanged base first): chr12-2605109-T-TTGCGAGTCC. GRCh37 (hg19) VCF-style: chr12-2714275-T-TTGCGAGTCC.
Other names: c.2997_3005dup, p.Arg1004_Pro1005insValLeuArg (NM_001129843.2, NM_001129846.2, NM_001167623.2 and 15 more transcripts); c.2988_2996dup, p.Arg1001_Pro1002insValLeuArg (NM_001129844.2); c.3057_3065dup, p.Arg1024_Pro1025insValLeuArg (NM_199460.4, NM_001129832.2, NM_001129827.2).
Identifiers: ClinVar variation 3723389 (VCV003723389.2).

ClinVar aggregate classification (germline): Uncertain significance (1 of 4 stars; one submission).

Conditions:
Long QT syndrome (LQTS). Identifiers: MedGen C0023976, MeSH D008133, MONDO:0002442. Disease mechanism: loss of function. Inheritance: Various modes of inheritance.

Submission:

Labcorp Genetics (formerly Invitae), Labcorp
Classification: Uncertain significance for Long QT syndrome. Last evaluated: 2024-10-21. Review status: criteria provided, single submitter. Criteria: Invitae Variant Classification Sherloc (09022015). Collection method: clinical testing. Allele origin: germline.
Comment: This variant, c.2997_3005dup, results in the insertion of 3 amino acid(s) of the CACNA1C protein (p.Val1002_Arg1004dup), but otherwise preserves the integrity of the reading frame. This variant is not present in population databases (gnomAD no frequency). This variant has not been reported in the literature in individuals affected with CACNA1C-related conditions. In summary, the available evidence is currently insufficient to determine the role of this variant in disease. Therefore, it has been classified as a Variant of Uncertain Significance.